The following is an entry in ClinVar:

ClinVar aggregate classification (germline): Pathogenic (1 of 4 stars; one submission).

Allele frequency attached by ClinVar (database versions not stated): gnomAD exomes 0.00001.
gnomAD v4.1: 13 of 1,613,844 alleles (0.00081%); highest among the groups gnomAD compares: Non-Finnish European, 0.0011%; no homozygotes.

Submission:

Labcorp Genetics (formerly Invitae), Labcorp
Classification: Pathogenic. Last evaluated: 2023-06-21. Review status: criteria provided, single submitter. Criteria: Invitae Variant Classification Sherloc (09022015). Collection method: clinical testing. Allele origin: germline.
Comment: For these reasons, this variant has been classified as Pathogenic. ClinVar contains an entry for this variant (Variation ID: 1420461). This variant has not been reported in the literature in individuals affected with TTC37-related conditions. This variant is not present in population databases (gnomAD no frequency). This sequence change creates a premature translational stop signal (p.Gln642*) in the TTC37 gene. It is expected to result in an absent or disrupted protein product. Loss-of-function variants in TTC37 are known to be pathogenic (PMID: 20176027, 21120949).

Literature cited by the submitters: PubMed 20176027; PubMed 21120949.

NM_014639.4(SKIC3):c.1924C>T (p.Gln642Ter)

Gene: SKIC3 (SKI3 subunit of superkiller complex; minus strand). Cytogenetic location: 5q15.
Variant type: single nucleotide variant.
Coding change: c.1924C>T on transcript NM_014639.4 (MANE Select); coding-DNA position 1924, C replaced by T.
Protein change: p.Gln642Ter; replaces glutamine 642 with a stop codon.
Molecular consequence: nonsense.
Genome position (GRCh38, 1-based): chr5:95,522,141, G>A on the plus strand (C>T on the coding strand, the complement: SKIC3 is on the minus strand). VCF-style: chr5-95522141-G-A. GRCh37 (hg19) VCF-style: chr5-94857845-G-A.
Other names: short protein forms Q642*.
Identifiers: ClinVar variation 1420461 (VCV001420461.6), dbSNP rs2112331217, ClinGen allele CA360462768.
Genomic context (GRCh38, chr5:95,522,141, plus strand): 5'-TCTTTTTAATGATCATCTGGTATTGAGCTACAGCCTCCTTATATTTGCCTAGGATTTGCT[G>A]TATTGCTGCAACCTTAAACACACTGTATATGGATTCTGGGTTCAGCTCACTGGCTTTTGT-3'